The following is an entry in ClinVar:

ClinVar aggregate classification (germline): Uncertain significance. Review status: criteria provided, multiple submitters, no conflicts (2 of 4 stars). 2 submissions from 2 submitters: Uncertain significance (2). Last evaluated 2026-01-26.

Conditions:
Inborn genetic diseases. Identifiers: MedGen C0950123, MeSH D030342.

gnomAD v4.1: 169 of 1,612,458 alleles (0.01%); highest among the groups gnomAD compares: Non-Finnish European, 0.014%; no homozygotes.

Submissions (2):

Labcorp Genetics (formerly Invitae), Labcorp
Classification: Uncertain significance. Last evaluated: 2026-01-26. Review status: criteria provided, single submitter. Criteria: Invitae Variant Classification Sherloc (09022015). Collection method: clinical testing. Allele origin: germline.
Comment: This sequence change replaces threonine, which is neutral and polar, with methionine, which is neutral and non-polar, at codon 1838 of the DCHS1 protein (p.Thr1838Met). This variant is present in population databases (rs777338855, gnomAD 0.006%). This variant has not been reported in the literature in individuals affected with DCHS1-related conditions. ClinVar contains an entry for this variant (Variation ID: 2082498). Invitae Evidence Modeling of protein sequence and biophysical properties (such as structural, functional, and spatial information, amino acid conservation, physicochemical variation, residue mobility, and thermodynamic stability) has been performed for this missense variant. However, the output from this modeling did not meet the statistical confidence thresholds required to predict the impact of this variant on DCHS1 protein function. In summary, the available evidence is currently insufficient to determine the role of this variant in disease. Therefore, it has been classified as a Variant of Uncertain Significance.

Ambry Genetics
Classification: Uncertain significance for Inborn genetic diseases. Last evaluated: 2025-11-26. Review status: criteria provided, single submitter. Criteria: Ambry Variant Classification Scheme 2023. Collection method: clinical testing. Allele origin: germline.

NM_003737.4(DCHS1):c.5513C>T (p.Thr1838Met)

Gene: DCHS1 (dachsous cadherin-related 1; minus strand). Cytogenetic location: 11p15.4.
Variant type: single nucleotide variant.
Coding change: c.5513C>T on transcript NM_003737.4 (MANE Select); coding-DNA position 5513, C replaced by T.
Protein change: p.Thr1838Met; replaces threonine 1838 with methionine.
Molecular consequence: missense variant.
Genome position (GRCh38, 1-based): chr11:6,627,526, G>A on the plus strand (C>T on the coding strand, the complement: DCHS1 is on the minus strand). VCF-style: chr11-6627526-G-A. GRCh37 (hg19) VCF-style: chr11-6648757-G-A.
Other names: c.5513C>T (NM_003737.2); short protein forms T1838M.
Identifiers: ClinVar variation 2082498 (VCV002082498.5), dbSNP rs777338855, ClinGen allele CA5860075.